The following is an entry in ClinVar:

ClinVar aggregate classification (germline): Uncertain significance. Review status: criteria provided, multiple submitters, no conflicts (2 of 4 stars). 2 submissions from 2 submitters: Uncertain significance (2). Last evaluated 2022-08-08.

Conditions:
Epidermolysis bullosa simplex 5B, with muscular dystrophy (EBS5B). Also called: Epidermolysis bullosa simplex with muscular dystrophy; EPIDERMOLYSIS BULLOSA SIMPLEX AND LIMB-GIRDLE MUSCULAR DYSTROPHY. Identifiers: Orphanet 257, MedGen C2931072, MONDO:0009181, OMIM 226670.
Epidermolysis bullosa simplex, Ogna type (EBS5A). Also called: Pidermolysis bullosa simplex 5A, Ogna type; EPIDERMOLYSIS BULLOSA SIMPLEX 5A, OGNA TYPE. Identifiers: Orphanet 79401, MedGen C0432317, MONDO:0007555, OMIM 131950.
Epidermolysis bullosa simplex with nail dystrophy (EBS5D). Identifiers: MedGen C4225309, MONDO:0014661, OMIM 616487.
Autosomal recessive limb-girdle muscular dystrophy type 2Q (LGMDR17). Also called: MUSCULAR DYSTROPHY, LIMB-GIRDLE, AUTOSOMAL RECESSIVE 17. Identifiers: Orphanet 254361, MedGen C3150989, MONDO:0013390, OMIM 613723.
Epidermolysis bullosa simplex 5C, with pyloric atresia (EBS5C). Also called: PLEC-Related Epidermolysis Bullosa with Pyloric Atresia; Epidermolysis bullosa simplex with pyloric atresia; PLEC1-Related Epidermolysis Bullosa with Pyloric Atresia. Identifiers: Orphanet 158684, MedGen C2677349, MONDO:0012807, OMIM 612138.

Allele frequency attached by ClinVar (database versions not stated): TOPMed below 0.00001; gnomAD exomes 0.00001; ExAC 0.00004.
gnomAD v4.1: 19 of 1,600,842 alleles (0.0012%); highest among the groups gnomAD compares: Non-Finnish European, 0.0015%; no homozygotes.

Submissions (2):

Labcorp Genetics (formerly Invitae), Labcorp
Classification: Uncertain significance for Autosomal recessive limb-girdle muscular dystrophy type 2Q; Epidermolysis bullosa simplex, Ogna type; Epidermolysis bullosa simplex with nail dystrophy; Epidermolysis bullosa simplex 5C, with pyloric atresia; Epidermolysis bullosa simplex 5B, with muscular dystrophy. Last evaluated: 2022-08-08. Review status: criteria provided, single submitter. Criteria: Invitae Variant Classification Sherloc (09022015). Collection method: clinical testing. Allele origin: germline.
Comment: In summary, the available evidence is currently insufficient to determine the role of this variant in disease. Therefore, it has been classified as a Variant of Uncertain Significance. Algorithms developed to predict the effect of sequence changes on RNA splicing suggest that this variant may create or strengthen a splice site. Algorithms developed to predict the effect of missense changes on protein structure and function are either unavailable or do not agree on the potential impact of this missense change (SIFT: "Deleterious"; PolyPhen-2: "Not Available"; Align-GVGD: "Class C0"). ClinVar contains an entry for this variant (Variation ID: 598202). This variant has not been reported in the literature in individuals affected with PLEC-related conditions. This variant is present in population databases (rs782216798, gnomAD 0.002%). This sequence change replaces leucine, which is neutral and non-polar, with valine, which is neutral and non-polar, at codon 1162 of the PLEC protein (p.Leu1162Val).

Eurofins Ntd Llc (ga)
Classification: Uncertain significance. Last evaluated: 2018-07-31. Review status: criteria provided, single submitter. Criteria: EGL ClinVar v180209 classification definitions. Collection method: clinical testing. Allele origin: germline. Observed: 1 variant allele, 1 heterozygote.

NM_201384.3(PLEC):c.3403C>G (p.Leu1135Val)

Gene: PLEC (plectin; minus strand). Cytogenetic location: 8q24.3.
Variant type: single nucleotide variant.
Coding change: c.3403C>G on transcript NM_201384.3 (MANE Select); coding-DNA position 3403, C replaced by G.
Protein change: p.Leu1135Val; replaces leucine 1135 with valine.
Molecular consequence: missense variant.
Genome position (GRCh38, 1-based): chr8:143,927,763, G>C on the plus strand (C>G on the coding strand, the complement: PLEC is on the minus strand). VCF-style: chr8-143927763-G-C. GRCh37 (hg19) VCF-style: chr8-145001931-G-C.
Other names: c.3484C>G, p.Leu1162Val (NM_000445.5); c.3361C>G, p.Leu1121Val (NM_201378.4); c.3337C>G, p.Leu1113Val (NM_201379.3); c.3814C>G, p.Leu1272Val (NM_201380.4); c.3307C>G, p.Leu1103Val (NM_201381.3); c.3403C>G, p.Leu1135Val (NM_201382.4); c.3415C>G, p.Leu1139Val (NM_201383.3); short protein forms L1103V, L1113V, L1162V, L1272V, L1135V, L1139V, L1121V.
Identifiers: ClinVar variation 598202 (VCV000598202.11), dbSNP rs782216798, ClinGen allele CA4927074.